The following is an entry in ClinVar:

NM_007294.4(BRCA1):c.1800C>G (p.Ile600Met)

Gene: BRCA1 (BRCA1 DNA repair associated; minus strand). Cytogenetic location: 17q21.31.
Variant type: single nucleotide variant.
Coding change: c.1800C>G on transcript NM_007294.4 (MANE Select); coding-DNA position 1800, C replaced by G.
Protein change: p.Ile600Met; replaces isoleucine 600 with methionine.
Molecular consequence: missense variant. On other transcripts: intron variant (137).
Genome position (GRCh38, 1-based): chr17:43,093,731, G>C on the plus strand (C>G on the coding strand, the complement: BRCA1 is on the minus strand). VCF-style: chr17-43093731-G-C. GRCh37 (hg19) VCF-style: chr17-41245748-G-C.
Other names: c.1590C>G, p.Ile530Met (NM_001407910.1, NM_001407879.1, NM_001407881.1 and 13 more transcripts); c.1587C>G, p.Ile529Met (NM_001407915.1, NM_001407916.1, NM_001407917.1 and 9 more transcripts); c.1677C>G, p.Ile559Met (NM_001407919.1, NM_001407937.1, NM_001407938.1 and 19 more transcripts); c.1536C>G, p.Ile512Met (NM_001407920.1, NM_001407921.1, NM_001407922.1 and 9 more transcripts); c.1533C>G, p.Ile511Met (NM_001407930.1, NM_001407931.1, NM_001407932.1 and 2 more transcripts); c.1674C>G, p.Ile558Met (NM_001407940.1, NM_001407941.1, NM_001407649.1 and 11 more transcripts); c.1659C>G, p.Ile553Met (NM_001407942.1, NM_001407944.1, NM_001407945.1 and 29 more transcripts); c.1656C>G, p.Ile552Met (NM_001407943.1, NM_001407964.1, NM_001407740.1 and 20 more transcripts); and 40 more; short protein forms I600M, I553M, I432M, I472M, I489M, I529M, I574M, I597M.
Identifiers: ClinVar variation 54354 (VCV000054354.5), dbSNP rs80357452, ClinGen allele CA001170.
Genomic context (GRCh38, chr17:43,093,731, plus strand): 5'-AATATGCCTGGTAGAAGACTTCCTCCTCAGCCTATTCTTTTTAGGTGCTTTTGAATTGTG[G>C]ATATTTAATTCGAGTTCCATATTGCTTATACTGCTGCTTATAGGTTCAGCTTTCGTTTTG-3'
Protein context (NP_009225.1, residues 590-610): SISNMELELN[Ile600Met]HNSKAPKKNR

ClinVar aggregate classification (germline): Likely benign. Review status: criteria provided, single submitter (1 of 4 stars). 2 submissions from 2 submitters: Likely benign (1). 1 of the submissions does not count toward it. Last evaluated 2023-03-23.

Conditions:
Hereditary cancer-predisposing syndrome. Also called: Tumor predisposition; Neoplastic Syndromes, Hereditary; Hereditary Cancer Syndrome; Hereditary neoplastic syndrome. Identifiers: Orphanet 140162, MedGen C0027672, MeSH D009386, MONDO:0015356.
Breast-ovarian cancer, familial, susceptibility to, 1 (BROVCA1). Also called: OVARIAN CANCER, SUSCEPTIBILITY TO; BRCA1 Hereditary Breast and Ovarian Cancer. Identifiers: Orphanet 145, MedGen C2676676, MONDO:0011450, OMIM 604370. Disease mechanism: loss of function.

Submissions (2):

University of Washington Department of Laboratory Medicine, University of Washington
Classification: Likely benign for Hereditary cancer-predisposing syndrome. Last evaluated: 2023-03-23. Review status: criteria provided, single submitter. Criteria: Dines et al. (Genet Med. 2020). Collection method: curation. Allele origin: germline.
Comment: Missense variant in a coldspot region where missense variants are very unlikely to be pathogenic (PMID:31911673).

BRCA1 coldspot (exon 11 using historical exon numbering). Reclassification based on statistical prior probability

Breast Cancer Information Core (BIC) (BRCA1)
Classification: Uncertain significance for Breast-ovarian cancer, familial 1. Review status: no assertion criteria provided. Collection method: clinical testing. Allele origin: germline. Affected: yes. Observed: 1 variant allele. Not counted in ClinVar's aggregate classification.